The following is an entry in ClinVar:

NM_182961.4(SYNE1):c.16903A>C (p.Lys5635Gln)

Genes: SYNE1 (spectrin repeat containing nuclear envelope protein 1; minus strand), LOC126859837 (BRD4-independent group 4 enhancer GRCh37_chr6:152630775-152631974; plus strand). Cytogenetic location: 6q25.2.
Variant type: single nucleotide variant.
Coding change: c.16903A>C on transcript NM_182961.4 (MANE Select); coding-DNA position 16903, A replaced by C.
Protein change: p.Lys5635Gln; replaces lysine 5635 with glutamine.
Molecular consequence: missense variant.
Genome position (GRCh38, 1-based): chr6:152,310,512, T>G on the plus strand (A>C on the coding strand, the complement: SYNE1 is on the minus strand). VCF-style: chr6-152310512-T-G. GRCh37 (hg19) VCF-style: chr6-152631647-T-G.
Other names: c.16690A>C, p.Lys5564Gln (NM_033071.5); short protein forms K5564Q, K5635Q.
Identifiers: ClinVar variation 2574304 (VCV002574304.1), dbSNP rs1241558538, ClinGen allele CA366107634.
Genomic context (GRCh38, chr6:152,310,512, plus strand): 5'-GTGTTGCCTGGGCTTGCTCCAAGGCAGCTTGTAACTTTTTCAACTCTGCTTCAAATTTTT[T>G]CATATCCTAGAGAGTCAATATCAATGTATTGTACTTGAAGTTCAAAGCCATAGGGGAAGA-3'
Protein context (NP_892006.3, residues 5625-5645): QNLQDAAKDM[Lys5635Gln]KFEAELKKLQ

ClinVar aggregate classification (germline): Uncertain significance (1 of 4 stars; one submission).

Allele frequency attached by ClinVar (database versions not stated): TOPMed below 0.00001; gnomAD exomes 0.00001.
gnomAD v4.1: 15 of 1,614,078 alleles (0.00093%); highest among the groups gnomAD compares: South Asian, 0.0022%; no homozygotes.

Submission:

GeneDx
Classification: Uncertain significance. Last evaluated: 2023-01-26. Review status: criteria provided, single submitter. Criteria: GeneDx Variant Classification Process June 2021. Collection method: clinical testing. Allele origin: germline. Affected: yes.
Comment: In silico analysis supports that this missense variant does not alter protein structure/function; Has not been previously published as pathogenic or benign to our knowledge